The following is an entry in ClinVar:

NM_014780.5(CUL7):c.1585A>G (p.Ile529Val)

Gene: CUL7 (cullin 7; minus strand). Cytogenetic location: 6p21.1.
Variant type: single nucleotide variant.
Coding change: c.1585A>G on transcript NM_014780.5 (MANE Select); coding-DNA position 1585, A replaced by G.
Protein change: p.Ile529Val; replaces isoleucine 529 with valine.
Molecular consequence: missense variant.
Genome position (GRCh38, 1-based): chr6:43,049,647, T>C on the plus strand (A>G on the coding strand, the complement: CUL7 is on the minus strand). VCF-style: chr6-43049647-T-C. GRCh37 (hg19) VCF-style: chr6-43017385-T-C.
Other names: c.1585A>G (NM_014780.4); c.1681A>G, p.Ile561Val (NM_001168370.2, NM_001374872.1); c.1585A>G, p.Ile529Val (NM_001374873.1, NM_001374874.1); short protein forms I561V, I529V.
Identifiers: ClinVar variation 2178807 (VCV002178807.3), dbSNP rs202114159, ClinGen allele CA3814108.

ClinVar aggregate classification (germline): Uncertain significance. Review status: criteria provided, multiple submitters, no conflicts (2 of 4 stars). 2 submissions from 2 submitters: Uncertain significance (2). Last evaluated 2025-11-24.

Conditions:
Inborn genetic diseases. Identifiers: MedGen C0950123, MeSH D030342.

Allele frequency attached by ClinVar (database versions not stated): gnomAD 0.00001; TOPMed 0.00002; gnomAD exomes 0.00003; ExAC 0.00007; 1000 Genomes Project 30x 0.00016; 1000 Genomes Project 0.00020.
gnomAD v4.1: 16 of 1,613,974 alleles (0.00099%); highest among the groups gnomAD compares: Admixed American, 0.027%; no homozygotes.

Submissions (2):

Labcorp Genetics (formerly Invitae), Labcorp
Classification: Uncertain significance. Last evaluated: 2025-11-24. Review status: criteria provided, single submitter. Criteria: Invitae Variant Classification Sherloc (09022015). Collection method: clinical testing. Allele origin: germline.
Comment: This sequence change replaces isoleucine, which is neutral and non-polar, with valine, which is neutral and non-polar, at codon 529 of the CUL7 protein (p.Ile529Val). This variant is present in population databases (rs202114159, gnomAD 0.04%). This variant has not been reported in the literature in individuals affected with CUL7-related conditions. ClinVar contains an entry for this variant (Variation ID: 2178807). An algorithm developed to predict the effect of missense changes on protein structure and function outputs the following: PolyPhen-2: "Benign". The valine amino acid residue is found in multiple mammalian species, which suggests that this missense change does not adversely affect protein function. In summary, the available evidence is currently insufficient to determine the role of this variant in disease. Therefore, it has been classified as a Variant of Uncertain Significance.

Ambry Genetics
Classification: Uncertain significance for Inborn genetic diseases. Last evaluated: 2023-10-20. Review status: criteria provided, single submitter. Criteria: Ambry Variant Classification Scheme 2023. Collection method: clinical testing. Allele origin: germline.